The following is an entry in ClinVar:

ClinVar aggregate classification (germline): Pathogenic. Review status: criteria provided, single submitter (1 of 4 stars). 2 submissions from 2 submitters: Pathogenic (1). 1 of the submissions does not count toward it. Last evaluated 2024-03-01.

Conditions:
Xeroderma pigmentosum variant type. Also called: PHOTOSENSITIVITY WITH DEFECTIVE DNA SYNTHESIS; XERODERMA PIGMENTOSUM WITH NORMAL DNA REPAIR RATES; POLH-Related Xeroderma Pigmentosum. Identifiers: Orphanet 90342, MedGen C1848410, MONDO:0010214, OMIM 278750.

Submissions (2):

Labcorp Genetics (formerly Invitae), Labcorp
Classification: Pathogenic. Last evaluated: 2024-03-01. Review status: criteria provided, single submitter. Criteria: Invitae Variant Classification Sherloc (09022015). Collection method: clinical testing. Allele origin: germline.
Comment: This sequence change creates a premature translational stop signal (p.Val36Asnfs*8) in the POLH gene. It is expected to result in an absent or disrupted protein product. Loss-of-function variants in POLH are known to be pathogenic (PMID: 11773631, 24130121, 25256075). This variant is not present in population databases (gnomAD no frequency). This premature translational stop signal has been observed in individual(s) with xeroderma pigmentosum (PMID: 10398605). This variant is also known as Frameshift at Ala35*. ClinVar contains an entry for this variant (Variation ID: 5884). For these reasons, this variant has been classified as Pathogenic.

OMIM
Classification: Pathogenic for XERODERMA PIGMENTOSUM, VARIANT TYPE. Last evaluated: 1999-07-09. Review status: no assertion criteria provided. Collection method: literature only. Allele origin: germline. Not counted in ClinVar's aggregate classification.

Literature cited by the submitters: PubMed 11773631 (cited by Labcorp Genetics (formerly Invitae), Labcorp); PubMed 24130121 (cited by Labcorp Genetics (formerly Invitae), Labcorp); PubMed 25256075 (cited by Labcorp Genetics (formerly Invitae), Labcorp); PubMed 10398605 (cited by Labcorp Genetics (formerly Invitae), Labcorp and OMIM); PubMed 10385124 (cited by OMIM).

NM_006502.3(POLH):c.106_118del (p.Val36fs)

Gene: POLH (DNA polymerase eta; plus strand). Cytogenetic location: 6p21.1.
Variant type: Deletion.
Coding change: c.106_118del on transcript NM_006502.3 (MANE Select); coding-DNA positions 106 to 118, 13 bases deleted (GTTGTACAGTACA).
Protein change: p.Val36fs; shifts the reading frame from valine 36.
Molecular consequence: frameshift variant. On other transcripts: intron variant (1).
Genome position (GRCh38, 1-based): chr6:43,582,425-43,582,437, GTTGTACAGTACA deleted; deleting any 13 consecutive bases within chr6:43,582,423-43,582,437 gives the same sequence; the c. name uses the placement nearest the transcript's 3' end. VCF-style (leftmost placement, unchanged base first): chr6-43582422-GCAGTTGTACAGTA-G. GRCh37 (hg19) VCF-style: chr6-43550159-GCAGTTGTACAGTA-G.
Other names: c.106_118del, p.Val36fs (NM_001291970.2); c.106_118delGTTGTACAGTACA, p.Val36Asnfs (NM_006502.2); c.-17-582_-17-570del (NM_001291969.2); short protein forms V36fs.
Identifiers: ClinVar variation 5884 (VCV000005884.3), dbSNP rs2127773185, ClinGen allele CA450292384.